The following is an entry in ClinVar:

NM_000214.3(JAG1):c.1064C>T (p.Ser355Phe)

Gene: JAG1 (jagged canonical Notch ligand 1; minus strand). Cytogenetic location: 20p12.2.
Variant type: single nucleotide variant.
Coding change: c.1064C>T on transcript NM_000214.3 (MANE Select); coding-DNA position 1064, C replaced by T.
Protein change: p.Ser355Phe; replaces serine 355 with phenylalanine.
Molecular consequence: missense variant.
Genome position (GRCh38, 1-based): chr20:10,651,637, G>A on the plus strand (C>T on the coding strand, the complement: JAG1 is on the minus strand). VCF-style: chr20-10651637-G-A. GRCh37 (hg19) VCF-style: chr20-10632285-G-A.
Other names: c.1064C>T (NM_000214.2); short protein forms S355F.
Identifiers: ClinVar variation 1057679 (VCV001057679.11), dbSNP rs1235681626, ClinGen allele CA408238753.
Genomic context (GRCh38, chr20:10,651,637, plus strand): 5'-TTACTTGTAGAGCATGTGGGGCCGGTCCAGCCTGGGGAACACTCACACTCAAAGCCCAGG[G>A]AGGTCTCCTTACAGCTGCCTCTGTTGTGACAGGGATCAGAGAGGCAGGCGTGCTCAGCTG-3'
Protein context (NP_000205.1, residues 345-365): CHNRGSCKET[Ser355Phe]LGFECECSPG

ClinVar aggregate classification (germline): Uncertain significance. Review status: criteria provided, multiple submitters, no conflicts (2 of 4 stars). 3 submissions from 3 submitters: Uncertain significance (3). Last evaluated 2026-01-07.

Conditions:
Alagille syndrome due to a JAG1 point mutation. Also called: Alagille Syndrome 1; JAG1-Related Alagille Syndrome; HEPATIC DUCTULAR HYPOPLASIA, SYNDROMATIC. Identifiers: Orphanet 261619, Orphanet 52, MedGen C1956125, MONDO:0016862, OMIM 118450.
Deafness, congenital heart defects, and posterior embryotoxon (DCHE). Identifiers: MedGen C1866053, MONDO:0060713, OMIM 617992.
Charcot-Marie-Tooth disease, axonal, Type 2HH. Also called: CHARCOT-MARIE-TOOTH NEUROPATHY, TYPE 2HH. Identifiers: MedGen C5562003, MONDO:0030458, OMIM 619574.
Tetralogy of Fallot (TOF). Identifiers: Orphanet 3303, MedGen C0039685, MONDO:0008542, OMIM 187500, HP:0001636.
Cardiovascular phenotype. Identifiers: MedGen CN230736.

Allele frequency attached by ClinVar (database versions not stated): gnomAD exomes below 0.00001; gnomAD 0.00001; TOPMed 0.00001.
gnomAD v4.1: 6 of 1,614,030 alleles (0.00037%); highest among the groups gnomAD compares: Non-Finnish European, 0.00051%; no homozygotes.

Submissions (3):

Labcorp Genetics (formerly Invitae), Labcorp
Classification: Uncertain significance for Alagille syndrome due to a JAG1 point mutation. Last evaluated: 2026-01-07. Review status: criteria provided, single submitter. Criteria: Invitae Variant Classification Sherloc (09022015). Collection method: clinical testing. Allele origin: germline.
Comment: This sequence change replaces serine, which is neutral and polar, with phenylalanine, which is neutral and non-polar, at codon 355 of the JAG1 protein (p.Ser355Phe). This variant is not present in population databases (gnomAD no frequency). This variant has not been reported in the literature in individuals affected with JAG1-related conditions. ClinVar contains an entry for this variant (Variation ID: 1057679). Invitae Evidence Modeling of protein sequence and biophysical properties (such as structural, functional, and spatial information, amino acid conservation, physicochemical variation, residue mobility, and thermodynamic stability) indicates that this missense variant is not expected to disrupt JAG1 protein function with a negative predictive value of 80%. In summary, the available evidence is currently insufficient to determine the role of this variant in disease. Therefore, it has been classified as a Variant of Uncertain Significance.

Ambry Genetics
Classification: Uncertain significance for Cardiovascular phenotype. Last evaluated: 2024-04-22. Review status: criteria provided, single submitter. Criteria: Ambry Variant Classification Scheme 2023. Collection method: clinical testing. Allele origin: germline.

Fulgent Genetics
Classification: Uncertain significance for Alagille syndrome due to a JAG1 point mutation; Tetralogy of Fallot; Deafness, congenital heart defects, and posterior embryotoxon; Charcot-Marie-Tooth disease, axonal, Type 2HH. Last evaluated: 2023-12-27. Review status: criteria provided, single submitter. Criteria: ACMG Guidelines, 2015. Collection method: clinical testing. Allele origin: germline.